The following is an entry in ClinVar:

NM_000719.7(CACNA1C):c.1952T>A (p.Ile651Asn)

Gene: CACNA1C (calcium voltage-gated channel subunit alpha1 C; plus strand). Cytogenetic location: 12p13.33.
Variant type: single nucleotide variant.
Coding change: c.1952T>A on transcript NM_000719.7 (MANE Select); coding-DNA position 1952, T replaced by A.
Protein change: p.Ile651Asn; replaces isoleucine 651 with asparagine.
Molecular consequence: missense variant.
Genome position (GRCh38, 1-based): chr12:2,581,646, T>A. VCF-style: chr12-2581646-T-A. GRCh37 (hg19) VCF-style: chr12-2690812-T-A.
Other names: c.1952T>A, p.Ile651Asn (NM_001129827.2, NM_001129829.2, NM_001129830.3 and 18 more transcripts); c.1943T>A, p.Ile648Asn (NM_001129844.2); short protein forms I651N, I648N.
Identifiers: ClinVar variation 411723 (VCV000411723.9), dbSNP rs1060503443, ClinGen allele CA16613777.

ClinVar aggregate classification (germline): Uncertain significance (1 of 4 stars; one submission).

Conditions:
Long QT syndrome (LQTS). Identifiers: MedGen C0023976, MeSH D008133, MONDO:0002442. Disease mechanism: loss of function. Inheritance: Various modes of inheritance.

Submission:

Labcorp Genetics (formerly Invitae), Labcorp
Classification: Uncertain significance for Long QT syndrome. Last evaluated: 2016-11-12. Review status: criteria provided, single submitter. Criteria: Invitae Variant Classification Sherloc (09022015). Collection method: clinical testing. Allele origin: germline.
Comment: In summary, this variant is a novel missense change with uncertain impact on protein function. It has been classified as a Variant of Uncertain Significance. Algorithms developed to predict the effect of missense changes on protein structure and function do not agree on the potential impact of this missense change (SIFT: "Deleterious"; PolyPhen-2: "Probably Damaging"; Align-GVGD: "Class C0"). This variant is not present in population databases (ExAC no frequency) and has not been reported in the literature in individuals with a CACNA1C-related disease. This sequence change replaces isoleucine with asparagine at codon 651 of the CACNA1C protein (p.Ile651Asn). The isoleucine residue is highly conserved and there is a large physicochemical difference between isoleucine and asparagine.